The following is an entry in ClinVar:

NM_002528.7(NTHL1):c.572A>C (p.His191Pro)

Gene: NTHL1 (nth like DNA glycosylase 1; minus strand). Cytogenetic location: 16p13.3.
Variant type: single nucleotide variant.
Coding change: c.572A>C on transcript NM_002528.7 (MANE Select); coding-DNA position 572, A replaced by C.
Protein change: p.His191Pro; replaces histidine 191 with proline.
Molecular consequence: missense variant.
Genome position (GRCh38, 1-based): chr16:2,043,680, T>G on the plus strand (A>C on the coding strand, the complement: NTHL1 is on the minus strand). VCF-style: chr16-2043680-T-G. GRCh37 (hg19) VCF-style: chr16-2093681-T-G.
Other names: c.401A>C, p.His134Pro (NM_001318193.2); c.242A>C, p.His81Pro (NM_001318194.2); c.596A>C (NM_002528.5); short protein forms H134P, H191P, H81P.
Identifiers: ClinVar variation 3572217 (VCV003572217.3).

ClinVar aggregate classification (germline): Uncertain significance. Review status: criteria provided, multiple submitters, no conflicts (2 of 4 stars). 2 submissions from 2 submitters: Uncertain significance (2). Last evaluated 2025-07-17.

Conditions:
Hereditary cancer-predisposing syndrome. Also called: Hereditary Cancer Syndrome; Hereditary neoplastic syndrome; Tumor predisposition; Neoplastic Syndromes, Hereditary. Identifiers: Orphanet 140162, MedGen C0027672, MeSH D009386, MONDO:0015356.

gnomAD v4.1: 2 of 1,612,196 alleles (0.00012%); highest among the groups gnomAD compares: South Asian, 0.0011%; no homozygotes.

Submissions (2):

Ambry Genetics
Classification: Uncertain significance for Hereditary cancer-predisposing syndrome. Last evaluated: 2025-07-17. Review status: criteria provided, single submitter. Criteria: Ambry Variant Classification Scheme 2023. Collection method: clinical testing. Allele origin: germline.
Comment: The p.H199P variant (also known as c.596A>C), located in coding exon 4 of the NTHL1 gene, results from an A to C substitution at nucleotide position 596. The histidine at codon 199 is replaced by proline, an amino acid with similar properties. This amino acid position is conserved. In addition, this alteration is predicted to be tolerated by in silico analysis. Based on the available evidence, the clinical significance of this variant remains unclear.

Quest Diagnostics Nichols Institute San Juan Capistrano
Classification: Uncertain significance. Last evaluated: 2025-04-24. Review status: criteria provided, single submitter. Criteria: Quest Diagnostics criteria. Collection method: clinical testing. Allele origin: unknown.
Comment: The NTHL1 c.596A>C (p.His199Pro) variant has not been reported in individuals with NTHL1-related conditions in the published literature. The frequency of this variant in the general population (Genome Aggregation Database) is uninformative in the assessment of its pathogenicity. Analysis of this variant using bioinformatics tools for the prediction of the effect of amino acid changes on protein structure and function yielded predictions that this variant is benign. Based on the available information, we are unable to determine the clinical significance of this variant.